The following is an entry in ClinVar:

NM_133259.4(LRPPRC):c.2079+10G>A

Gene: LRPPRC (leucine rich pentatricopeptide repeat containing; minus strand). Cytogenetic location: 2p21.
Variant type: single nucleotide variant.
Coding change: c.2079+10G>A on transcript NM_133259.4 (MANE Select); 10 bases into the intron after coding-DNA position 2079, G replaced by A.
Molecular consequence: intron variant.
Genome position (GRCh38, 1-based): chr2:43,947,247, C>T on the plus strand (G>A on the coding strand, the complement: LRPPRC is on the minus strand). VCF-style: chr2-43947247-C-T. GRCh37 (hg19) VCF-style: chr2-44174386-C-T.
Identifiers: ClinVar variation 518190 (VCV000518190.13), dbSNP rs545497810, ClinGen allele CA1638611.
Genomic context (GRCh38, chr2:43,947,247, plus strand): 5'-ATTTGGTTTTTCTTATTGTTACCAAGAATTTTTTGCCTTAATAATATTTAAATATTAAAA[C>T]AAATGTTACCTCTTCTGAACAAAGCACTAATATGAGTTGCTTTAGGACATCTCTTATAGG-3'

ClinVar aggregate classification (germline): Likely benign. Review status: criteria provided, multiple submitters, no conflicts (2 of 4 stars). 3 submissions from 3 submitters: Likely benign (3). Last evaluated 2026-01-12.

Conditions:
Congenital lactic acidosis, Saguenay-Lac-Saint-Jean type (MC4DN5). Also called: MITOCHONDRIAL COMPLEX IV DEFICIENCY, NUCLEAR TYPE 5; CYTOCHROME c OXIDASE DEFICIENCY, FRENCH CANADIAN TYPE; COX DEFICIENCY, FRENCH CANADIAN TYPE. Identifiers: Orphanet 70472, MedGen C1857355, MONDO:0009069, OMIM 220111.

Allele frequency attached by ClinVar (database versions not stated): gnomAD exomes 0.00001 and 0.00003; ExAC 0.00002; gnomAD 0.00002 and 0.00004; TOPMed 0.00008; 1000 Genomes Project 30x 0.00016; 1000 Genomes Project 0.00020.
gnomAD v4.1: 24 of 1,362,534 alleles (0.0018%); highest among the groups gnomAD compares: Admixed American, 0.016%; no homozygotes.

Submissions (3):

Labcorp Genetics (formerly Invitae), Labcorp
Classification: Likely benign. Last evaluated: 2026-01-12. Review status: criteria provided, single submitter. Criteria: Invitae Variant Classification Sherloc (09022015). Collection method: clinical testing. Allele origin: germline.

Fulgent Genetics
Classification: Likely benign for Congenital lactic acidosis, Saguenay-Lac-Saint-Jean type. Last evaluated: 2021-09-20. Review status: criteria provided, single submitter. Criteria: ACMG Guidelines, 2015. Collection method: clinical testing. Allele origin: unknown.

GeneDx
Classification: Likely benign. Last evaluated: 2017-06-30. Review status: criteria provided, single submitter. Criteria: GeneDx Variant Classification (06012015). Collection method: clinical testing. Allele origin: germline. Affected: yes.
Comment: This variant is considered likely benign or benign based on one or more of the following criteria: it is a conservative change, it occurs at a poorly conserved position in the protein, it is predicted to be benign by multiple in silico algorithms, and/or has population frequency not consistent with disease.